The following is an entry in ClinVar:

NM_000321.3(RB1):c.1781T>C (p.Leu594Pro)

Gene: RB1 (RB transcriptional corepressor 1; plus strand). Cytogenetic location: 13q14.2.
Variant type: single nucleotide variant.
Coding change: c.1781T>C on transcript NM_000321.3 (MANE Select); coding-DNA position 1781, T replaced by C.
Protein change: p.Leu594Pro; replaces leucine 594 with proline.
Molecular consequence: missense variant.
Genome position (GRCh38, 1-based): chr13:48,453,078, T>C. VCF-style: chr13-48453078-T-C. GRCh37 (hg19) VCF-style: chr13-49027214-T-C.
Other names: c.1781T>C, p.Leu594Pro (NM_001407165.1); short protein forms L594P.
Identifiers: ClinVar variation 3231201 (VCV003231201.1), dbSNP rs2542360807, ClinGen allele CA388165601.

ClinVar aggregate classification (germline): Uncertain significance (1 of 4 stars; one submission).

Conditions:
Hereditary cancer-predisposing syndrome. Also called: Neoplastic Syndromes, Hereditary; Tumor predisposition; Hereditary neoplastic syndrome; Hereditary Cancer Syndrome. Identifiers: Orphanet 140162, MedGen C0027672, MeSH D009386, MONDO:0015356.

Submission:

Ambry Genetics
Classification: Uncertain significance for Hereditary cancer-predisposing syndrome. Last evaluated: 2024-02-02. Review status: criteria provided, single submitter. Criteria: Ambry Variant Classification Scheme 2023. Collection method: clinical testing. Allele origin: germline.
Comment: The p.L594P variant (also known as c.1781T>C), located in coding exon 18 of the RB1 gene, results from a T to C substitution at nucleotide position 1781. The leucine at codon 594 is replaced by proline, an amino acid with similar properties. This amino acid position is conserved. In addition, the in silico prediction for this alteration is inconclusive. Based on the available evidence, the clinical significance of this alteration remains unclear.